The following is an entry in ClinVar:

NM_001129.5(AEBP1):c.1000G>A (p.Glu334Lys)

Gene: AEBP1 (AE binding protein 1; plus strand). Cytogenetic location: 7p13.
Variant type: single nucleotide variant.
Coding change: c.1000G>A on transcript NM_001129.5 (MANE Select); coding-DNA position 1000, G replaced by A.
Protein change: p.Glu334Lys; replaces glutamic acid 334 with lysine.
Molecular consequence: missense variant.
Genome position (GRCh38, 1-based): chr7:44,108,958, G>A. VCF-style: chr7-44108958-G-A. GRCh37 (hg19) VCF-style: chr7-44148557-G-A.
Other names: p.Glu334Lys; short protein forms E334K.
Identifiers: ClinVar variation 2071654 (VCV002071654.4), dbSNP rs149248982, ClinGen allele CA4237704.

ClinVar aggregate classification (germline): Uncertain significance. Review status: criteria provided, multiple submitters, no conflicts (2 of 4 stars). 4 submissions from 4 submitters: Uncertain significance (4). Last evaluated 2025-11-20.

Allele frequency attached by ClinVar (database versions not stated): gnomAD 0.00017; ESP Exome Variant Server 0.00023; gnomAD exomes 0.00023; ExAC 0.00025; 1000 Genomes Project 30x 0.00031; 1000 Genomes Project 0.00040.

Submissions (4):

Mayo Clinic Laboratories, Mayo Clinic
Classification: Uncertain significance. Last evaluated: 2025-11-20. Review status: criteria provided, single submitter. Criteria: ACMG Guidelines, 2015. Collection method: clinical testing. Allele origin: germline. Observed: 1 variant allele.
Comment: BP4

Women's Health and Genetics/Laboratory Corporation of America, LabCorp
Classification: Uncertain significance. Last evaluated: 2025-10-14. Review status: criteria provided, single submitter. Criteria: LabCorp Variant Classification Summary - May 2015. Collection method: clinical testing. Allele origin: germline.
Comment: Variant summary: AEBP1 c.1000G>A (p.Glu334Lys) results in a conservative amino acid change in the encoded protein sequence. Algorithms developed to predict the effect of missense changes on protein structure and function are either unavailable or do not agree on the potential impact of this missense change. The variant allele was found at a frequency of 0.00022 in 231642 control chromosomes. This frequency is not significantly higher than estimated for disease-causing variants in AEBP1, allowing no conclusion about variant significance. To our knowledge, no occurrence of c.1000G>A in individuals affected with AEBP1-related conditions and no experimental evidence demonstrating its impact on protein function have been reported. ClinVar contains an entry for this variant (Variation ID: 2071654). Based on the evidence outlined above, the variant was classified as uncertain significance.

Blueprint Genetics
Classification: Uncertain significance. Last evaluated: 2024-10-02. Review status: criteria provided, single submitter. Criteria: ACMG Guidelines, 2015. Collection method: clinical testing. Allele origin: germline.

Labcorp Genetics (formerly Invitae), Labcorp
Classification: Uncertain significance. Last evaluated: 2022-08-21. Review status: criteria provided, single submitter. Criteria: Invitae Variant Classification Sherloc (09022015). Collection method: clinical testing. Allele origin: germline.
Comment: This sequence change replaces glutamic acid, which is acidic and polar, with lysine, which is basic and polar, at codon 334 of the AEBP1 protein (p.Glu334Lys). This variant is present in population databases (rs149248982, gnomAD 0.05%). This variant has not been reported in the literature in individuals affected with AEBP1-related conditions. Algorithms developed to predict the effect of missense changes on protein structure and function are either unavailable or do not agree on the potential impact of this missense change (SIFT: "Deleterious"; PolyPhen-2: "Benign"; Align-GVGD: "Class C0"). Algorithms developed to predict the effect of sequence changes on RNA splicing suggest that this variant may disrupt the consensus splice site. In summary, the available evidence is currently insufficient to determine the role of this variant in disease. Therefore, it has been classified as a Variant of Uncertain Significance.